The following is an entry in ClinVar:

NM_007180.3(TREH):c.1101G>A (p.Leu367=)

Gene: TREH (trehalase; minus strand). Cytogenetic location: 11q23.3.
Variant type: single nucleotide variant.
Coding change: c.1101G>A on transcript NM_007180.3 (MANE Select); coding-DNA position 1101, G replaced by A.
Protein change: p.Leu367=; no amino-acid change (leucine 367 retained).
Molecular consequence: synonymous variant.
Genome position (GRCh38, 1-based): chr11:118,660,540, C>T on the plus strand (G>A on the coding strand, the complement: TREH is on the minus strand). VCF-style: chr11-118660540-C-T. GRCh37 (hg19) VCF-style: chr11-118531249-C-T.
Other names: c.1008G>A, p.Leu336= (NM_001301065.2).
Identifiers: ClinVar variation 3054830 (VCV003054830.2), dbSNP rs371512027, ClinGen allele CA6307908.

ClinVar aggregate classification (germline): Likely benign (0 of 4 stars; one submission).

Conditions:
TREH-related disorder. Also called: TREH-related condition.

Allele frequency attached by ClinVar (database versions not stated): gnomAD 0.00002; ExAC 0.00005; ESP Exome Variant Server 0.00008; gnomAD exomes 0.00017.
gnomAD v4.1: 295 of 1,597,582 alleles (0.018%); highest among the groups gnomAD compares: Non-Finnish European, 0.02%; 1 homozygote.

Submission:

PreventionGenetics, part of Exact Sciences
Classification: Likely benign for TREH-related condition. Last evaluated: 2020-12-16. Review status: no assertion criteria provided. Collection method: clinical testing. Allele origin: germline.
Comment: This variant is classified as likely benign based on ACMG/AMP sequence variant interpretation guidelines (Richards et al. 2015 PMID: 25741868, with internal and published modifications).